The following is an entry in ClinVar:

ClinVar aggregate classification (germline): Pathogenic. Review status: criteria provided, multiple submitters, no conflicts (2 of 4 stars). 3 submissions from 3 submitters: Pathogenic (3). Last evaluated 2023-08-29.

Conditions:
Cystic fibrosis (CF). Also called: MUCOVISCIDOSIS. Identifiers: Orphanet 586, MedGen C0010674, MONDO:0009061, OMIM 219700. Disease mechanism: loss of function.

Submissions (3):

Women's Health and Genetics/Laboratory Corporation of America, LabCorp
Classification: Pathogenic for Cystic fibrosis. Last evaluated: 2023-08-29. Review status: criteria provided, single submitter. Criteria: LabCorp Variant Classification Summary - May 2015. Collection method: clinical testing. Allele origin: germline.
Comment: Variant summary: CFTR c.2341C>T (p.Gln781X) results in a premature termination codon, predicted to cause a truncation of the encoded protein or absence of the protein due to nonsense mediated decay, which are commonly known mechanisms for disease. The variant was absent in 186868 control chromosomes. c.2341C>T has been reported in the literature in individuals affected with Cystic Fibrosis (eg: Raraigh_2022). The following publication have been ascertained in the context of this evaluation (PMID: 34782259). Two submitters have cited clinical-significance assessments for this variant to ClinVar after 2014. All submitters classified the variant as pathogenic. Based on the evidence outlined above, the variant was classified as pathogenic.

Institute of Human Genetics, University of Leipzig Medical Center
Classification: Pathogenic for Cystic fibrosis. Last evaluated: 2022-09-05. Review status: criteria provided, single submitter. Criteria: ACMG Guidelines, 2015. Collection method: curation. Allele origin: unknown. Affected: yes. Observed: 3 variant alleles.
Comment: This variant was identified in 3 unrelated patients with a clinically confirmed diagnosis of cystic fibrosis. The variant was classified in the context of a project re-classifying variants in the German Cystic Fibrosis Registry (Muko.e.V.). Criteria applied: PVS1, PM2_SUP, PM3, PP4

Labcorp Genetics (formerly Invitae), Labcorp
Classification: Pathogenic for Cystic fibrosis. Last evaluated: 2021-08-11. Review status: criteria provided, single submitter. Criteria: Invitae Variant Classification Sherloc (09022015). Collection method: clinical testing. Allele origin: germline.
Comment: For these reasons, this variant has been classified as Pathogenic. This variant has not been reported in the literature in individuals affected with CFTR-related conditions. This variant is not present in population databases (ExAC no frequency). This sequence change creates a premature translational stop signal (p.Gln781*) in the CFTR gene. It is expected to result in an absent or disrupted protein product. Loss-of-function variants in CFTR are known to be pathogenic (PMID: 1695717, 7691345, 9725922).

Literature cited by the submitters: PubMed 34782259 (cited by Women's Health and Genetics/Laboratory Corporation of America, LabCorp); PubMed 1695717 (cited by Labcorp Genetics (formerly Invitae), Labcorp); PubMed 7691345 (cited by Labcorp Genetics (formerly Invitae), Labcorp); PubMed 9725922 (cited by Labcorp Genetics (formerly Invitae), Labcorp).

NM_000492.4(CFTR):c.2341C>T (p.Gln781Ter)

Gene: CFTR (CF transmembrane conductance regulator; plus strand). Cytogenetic location: 7q31.2.
Variant type: single nucleotide variant.
Coding change: c.2341C>T on transcript NM_000492.4 (MANE Select); coding-DNA position 2341, C replaced by T.
Protein change: p.Gln781Ter; replaces glutamine 781 with a stop codon.
Molecular consequence: nonsense.
Genome position (GRCh38, 1-based): chr7:117,592,508, C>T. VCF-style: chr7-117592508-C-T. GRCh37 (hg19) VCF-style: chr7-117232562-C-T.
Other names: Q781X; short protein forms Q781*.
Identifiers: ClinVar variation 1397987 (VCV001397987.7), dbSNP rs397508368, ClinGen allele CA326796.